The following is an entry in ClinVar:

NM_022124.6(CDH23):c.6465G>A (p.Ser2155=)

Gene: CDH23 (cadherin related 23; plus strand). Cytogenetic location: 10q22.1.
Variant type: single nucleotide variant.
Coding change: c.6465G>A on transcript NM_022124.6 (MANE Select); coding-DNA position 6465, G replaced by A.
Protein change: p.Ser2155=; no amino-acid change (serine 2155 retained).
Molecular consequence: synonymous variant.
Genome position (GRCh38, 1-based): chr10:71,793,393, G>A. VCF-style: chr10-71793393-G-A. GRCh37 (hg19) VCF-style: chr10-73553150-G-A.
Identifiers: ClinVar variation 852602 (VCV000852602.11), dbSNP rs373462599, ClinGen allele CA5546092.

ClinVar aggregate classification (germline): Conflicting classifications of pathogenicity. Review status: criteria provided, conflicting classifications (1 of 4 stars). 4 submissions from 4 submitters: Uncertain significance (1); Likely benign (2). 1 of the submissions does not count toward it. Last evaluated 2026-01-13.

Conditions:
CDH23-related disorder. Also called: CDH23-related condition; CDH23-related disorders.
Usher syndrome type 1 (USH1). Also called: RETINITIS PIGMENTOSA AND CONGENITAL DEAFNESS. Identifiers: Orphanet 231169, Orphanet 886, MedGen C1568247, MONDO:0010168, OMIM 276900.

Allele frequency attached by ClinVar (database versions not stated): gnomAD exomes below 0.00001 and 0.00002; ExAC 0.00001; gnomAD 0.00001 and 0.00002; TOPMed 0.00006; ESP Exome Variant Server 0.00008.
gnomAD v4.1: 29 of 1,613,792 alleles (0.0018%); highest among the groups gnomAD compares: African/African-American, 0.008%; no homozygotes.

Submissions (4):

Labcorp Genetics (formerly Invitae), Labcorp
Classification: Likely benign. Last evaluated: 2026-01-13. Review status: criteria provided, single submitter. Criteria: Invitae Variant Classification Sherloc (09022015). Collection method: clinical testing. Allele origin: germline.

PreventionGenetics, part of Exact Sciences
Classification: Likely benign for CDH23-related condition. Last evaluated: 2025-05-05. Review status: criteria provided, single submitter. Criteria: ACMG Guidelines, 2015. Collection method: clinical testing. Allele origin: germline.
Comment: This variant is classified as likely benign based on ACMG/AMP sequence variant interpretation guidelines (Richards et al. 2015 PMID: 25741868, with internal and published modifications).

Laboratory for Molecular Medicine, Mass General Brigham Personalized Medicine
Classification: Uncertain significance. Last evaluated: 2020-08-13. Review status: criteria provided, single submitter. Criteria: LMM Criteria. Collection method: clinical testing. Allele origin: germline. Observed: 1 variant allele.
Comment: The p.Ser2155Ser variant in CDH23 has not been previously reported in individuals with hearing loss or Usher syndrome, but has been identified in 0.0008% (1/112900) of European chromosomes by gnomAD. This variant is a silent variant and is not located within the splice consensus sequence, but computational prediction tools suggest a possible creation of a 3' splice site. However, this information is not predictive enough to determine pathogenicity. In summary, the clinical significance of the p.Ser2155Ser variant is uncertain. ACMG/AMP Criteria applied: PM2, PP3.

Natera, Inc.
Classification: Uncertain significance for Usher syndrome type 1. Last evaluated: 2020-02-26. Review status: no assertion criteria provided. Collection method: clinical testing. Allele origin: germline. Not counted in ClinVar's aggregate classification.